The following is an entry in ClinVar:

NM_000391.4(TPP1):c.887-9_887-6del

Gene: TPP1 (tripeptidyl peptidase 1; minus strand). Cytogenetic location: 11p15.4.
Variant type: Deletion.
Coding change: c.887-9_887-6del on transcript NM_000391.4 (MANE Select); 9 bases into the intron before coding-DNA position 887 through 6 bases into the intron before coding-DNA position 887, 4 bases deleted (AAAA; older notation c.887-9_887-6delAAAA).
Molecular consequence: intron variant.
Genome position (GRCh38, 1-based): chr11:6,616,509-6,616,512, TTTT deleted on the plus strand (AAAA on the coding strand, the reverse complement: TPP1 is on the minus strand); deleting any 4 consecutive bases within chr11:6,616,509-6,616,528 gives the same sequence; the c. name uses the placement nearest the transcript's 3' end. VCF-style (leftmost placement, unchanged base first): chr11-6616508-ATTTT-A. GRCh37 (hg19) VCF-style: chr11-6637739-ATTTT-A.
Identifiers: ClinVar variation 558853 (VCV000558853.7), dbSNP rs35039601, ClinGen allele CA5858816.

ClinVar aggregate classification (germline): Conflicting classifications of pathogenicity. Review status: criteria provided, conflicting classifications (1 of 4 stars). 3 submissions from 3 submitters: Uncertain significance (1); Likely benign (1). 1 of the submissions does not count toward it. Last evaluated 2024-08-28.

Submissions (3):

Blueprint Genetics
Classification: Likely benign. Last evaluated: 2024-08-28. Review status: criteria provided, single submitter. Criteria: ACMG Guidelines, 2015. Collection method: clinical testing. Allele origin: germline.

GeneDx
Classification: Uncertain significance. Last evaluated: 2022-08-04. Review status: criteria provided, single submitter. Criteria: GeneDx Variant Classification Process June 2021. Collection method: clinical testing. Allele origin: germline. Affected: yes.
Comment: Has not been previously published as pathogenic or benign to our knowledge; In-silico analysis is inconclusive as to whether the variant alters gene splicing. In the absence of RNA/functional studies, the actual effect of this sequence change is unknown.

Mayo Clinic Laboratories, Mayo Clinic
Classification: Benign. Last evaluated: 2015-10-21. Review status: no assertion criteria provided. Collection method: clinical testing. Allele origin: unknown. Not counted in ClinVar's aggregate classification.